The following is an entry in ClinVar:

NM_024312.5(GNPTAB):c.2188delinsAAA (p.Leu730fs)

Gene: GNPTAB (N-acetylglucosamine-1-phosphate transferase subunits alpha and beta; minus strand). Cytogenetic location: 12q23.2.
Variant type: Indel.
Coding change: c.2188delinsAAA on transcript NM_024312.5 (MANE Select); coding-DNA position 2188, T replaced by AAA.
Protein change: p.Leu730fs; shifts the reading frame from leucine 730.
Molecular consequence: frameshift variant.
Genome position (GRCh38, 1-based): chr12:101,764,729, A replaced by TTT on the plus strand (T replaced by AAA on the coding strand, the reverse complement: GNPTAB is on the minus strand). VCF-style: chr12-101764729-A-TTT. GRCh37 (hg19) VCF-style: chr12-102158507-A-TTT.
Other names: AY687932:c.2188delTinsAAA; short protein forms L730fs.
Identifiers: ClinVar variation 38418 (VCV000038418.3), dbSNP rs34161232, ClinGen allele CA343067.

ClinVar aggregate classification (germline): Pathogenic (0 of 4 stars; one submission).

Conditions:
Mucolipidosis type II. Also called: Mucolipidosis 2; ML 2; Inclusion cell disease; Leroy Disease; N-acetylglucosamine 1phosphotransferase deficiency; ML disorder type 2. Identifiers: Orphanet 576, MedGen C2673377, MONDO:0009650, OMIM 252500.

Submission:

GeneReviews
Classification: Pathogenic for Mucolipidosis III Alpha/Beta. Last evaluated: 2012-05-10. Review status: no assertion criteria provided. Collection method: curation. Allele origin: unknown.
ClinVar note: Converted during submission from pathologic to Pathogenic.